The following is an entry in ClinVar:

ClinVar aggregate classification (germline): Benign. Review status: criteria provided, multiple submitters, no conflicts (2 of 4 stars). 2 submissions from 2 submitters: Benign (2). Last evaluated 2018-06-16.

Allele frequency attached by ClinVar (database versions not stated): 1000 Genomes Project 0.35343; 1000 Genomes Project 30x 0.36930; gnomAD 0.37909 and 0.39439; TOPMed 0.40437.
gnomAD v4.1: 387,262 of 1,516,608 alleles (26%); highest among the groups gnomAD compares: African/African-American, 74%; 61,405 homozygotes.

Submissions (2):

GeneDx
Classification: Benign. Last evaluated: 2018-06-16. Review status: criteria provided, single submitter. Criteria: GeneDx Variant Classification (06012015). Collection method: clinical testing. Allele origin: germline. Affected: yes.
Comment: This variant is considered likely benign or benign based on one or more of the following criteria: it is a conservative change, it occurs at a poorly conserved position in the protein, it is predicted to be benign by multiple in silico algorithms, and/or has population frequency not consistent with disease.

Breakthrough Genomics
Classification: Benign. Review status: criteria provided, single submitter. Criteria: ACMG Guidelines, 2015. Collection method: not provided. Allele origin: germline. Inheritance: Autosomal recessive inheritance. Affected: yes.

NM_001378454.1(ALMS1):c.9782-70G>A

Gene: ALMS1 (ALMS1 centrosome and basal body associated protein; plus strand). Cytogenetic location: 2p13.1.
Variant type: single nucleotide variant.
Coding change: c.9782-70G>A on transcript NM_001378454.1 (MANE Select); 70 bases into the intron before coding-DNA position 9782, G replaced by A.
Molecular consequence: intron variant.
Genome position (GRCh38, 1-based): chr2:73,534,754, G>A. VCF-style: chr2-73534754-G-A. GRCh37 (hg19) VCF-style: chr2-73761881-G-A.
Other names: c.9782-70G>A (NM_015120.4); c.9785-70G>A (NM_015120.4).
Identifiers: ClinVar variation 677826 (VCV000677826.2), dbSNP rs3738848, ClinGen allele CA50350375.